The following continues an entry in ClinVar:

NM_002693.3(POLG):c.803G>C (p.Gly268Ala)

Gene: POLG. ClinVar aggregate classification (germline): Conflicting classifications of pathogenicity. Uncertain significance (8); Benign (3); Likely benign (9).

Submissions 11 to 22 of 22:

Genome Diagnostics Laboratory, The Hospital for Sick Children
Classification: Uncertain significance for Hereditary spastic paraplegia. Last evaluated: 2021-11-08. Review status: criteria provided, single submitter. Criteria: ACMG Guidelines, 2015. Collection method: clinical testing. Allele origin: germline. Affected: yes.

GeneDx
Classification: Uncertain significance. Last evaluated: 2021-07-23. Review status: criteria provided, single submitter. Criteria: GeneDx Variant Classification Process June 2021. Collection method: clinical testing. Allele origin: germline. Affected: yes.
Comment: Unclear whether patients found to harbor a single G268A variant were incidentally found to be carriers of an autosomal recessive POLG pathogenic variant or whether they may have a second unidentified pathogenic variant in POLG or another gene that was not detected by the testing methods (Blok et al., 2009; Tang et al. 2011); Pathogenicity of G268A was questioned as the G268A variant was present at high frequency in this cohort; however, it was not found with another POLG pathogenic variant in any of the patients (Tang et al., 2011); Functional studies are discordant regarding the effect of this variant; those studies using the yeast homologue demonstrate a deleterious effect, while those using human POLG demonstrate no significant effect (Baruffini et al., 2006; Baruffini et al., 2015; Macao et al., 2015; Kasahara et al., 2016); In silico analysis, which includes protein predictors and evolutionary conservation, supports a deleterious effect; Variant alters a highly conserved position in the exonuclease domain of the protein where many missense pathogenic variants have been reported in association with POLG-related disorders (Human DNA Polymerase Gamma Mutation Database); This variant is associated with the following publications: (PMID: 14635118, 26095671, 25462018, 16940310, 26357557, 21880868, 19578034, 24508722, 16401742, 25118206, 27987238, 28128857, 29474836, 31139930, 30637288, 32391929, 34023347, 32949115)

Ambry Genetics
Classification: Likely benign for Inborn genetic diseases. Last evaluated: 2020-01-22. Review status: criteria provided, single submitter. Criteria: Ambry Variant Classification Scheme 2023. Collection method: clinical testing. Allele origin: germline.

Mendelics
Classification: Likely benign for Progressive sclerosing poliodystrophy. Last evaluated: 2019-05-28. Review status: criteria provided, single submitter. Criteria: Mendelics Assertion Criteria 2017. Collection method: clinical testing. Allele origin: unknown.

Wong Mito Lab, Molecular and Human Genetics, Baylor College of Medicine
Classification: Benign for Progressive sclerosing poliodystrophy. Last evaluated: 2018-10-01. Review status: criteria provided, single submitter. Criteria: ACMG Guidelines, 2015. Collection method: clinical testing. Allele origin: germline.
Comment: The NM_002693.2:c.803G>C (NP_002684.1:p.Gly268Ala) [GRCH38: NC_000015.10:g.89330133C>G] variant in POLG gene is interpretated to be a Benign based on ACMG guidelines (PMID: 25741868). This variant has been reported in PMID:16940310 ; 21880868 . This variant meets the following evidence codes reported in the ACMG-guideline. BS1:The minor allele frequency of this allele is high for Mitochondrial DNA depletion syndrome 4A (Alpers type). BS2:Observation of the variant in controls is inconsistent with penetrance of Mitochondrial DNA depletion syndrome 4A (Alpers type). BP4:Computational evidence/predictors indicate no impact on the POLG structure, function, or protein-protein interaction. Based on the evidence criteria codes applied, the variant is suggested to be Benign.

Illumina Laboratory Services, Illumina
Classification: Uncertain significance for POLG-Related Spectrum Disorders. Last evaluated: 2017-04-27. Review status: criteria provided, single submitter. Criteria: ICSL Variant Classification Criteria 13 December 2019. Collection method: clinical testing. Allele origin: germline.
Comment: This variant was observed as part of a predisposition screen in an ostensibly healthy population. A literature search was performed for the gene, cDNA change, and amino acid change (where applicable). Publications were found based on this search. However, the evidence from the literature, in combination with allele frequency data from public databases where available, was not sufficient to rule this variant in or out of causing disease. Therefore, this variant is classified as a variant of unknown significance.

Center for Pediatric Genomic Medicine, Children's Mercy Hospital and Clinics
Classification: Likely benign. Last evaluated: 2017-02-22. Review status: criteria provided, single submitter. Criteria: ACMG Guidelines, 2015. Collection method: clinical testing. Allele origin: germline.

Genetic Services Laboratory, University of Chicago
Classification: Uncertain significance. Last evaluated: 2016-09-20. Review status: criteria provided, single submitter. Criteria: ACMG Guidelines, 2015. Collection method: clinical testing. Allele origin: germline. Affected: no.

Eurofins Ntd Llc (ga)
Classification: Likely benign. Last evaluated: 2015-01-30. Review status: criteria provided, single submitter. Criteria: EGL Classification Definitions 2015. Collection method: clinical testing. Allele origin: germline.

Center for Genomics, Ann and Robert H. Lurie Children's Hospital of Chicago
Classification: Uncertain significance for Sensory ataxic neuropathy, dysarthria, and ophthalmoparesis; Mitochondrial DNA depletion syndrome 4b; Progressive sclerosing poliodystrophy; Progressive external ophthalmoplegia with mitochondrial DNA deletions, autosomal dominant 1; Progressive external ophthalmoplegia with mitochondrial DNA deletions, autosomal recessive 1. Review status: criteria provided, single submitter. Criteria: ACMG Guidelines, 2015. Collection method: clinical testing. Allele origin: germline.
Comment: POLG NM_002693.2 exon 3 p.Gly268Ala (c.803G>C): This variant has been reported in several individuals with clinical suspicion of POLG related conditions, including progressive external ophthalmoplegias (PEO) (Di Fonzo 2003 PMID:14635118, Del Bo 2003 PMID:14557557, Gonzalez-Vioque 2006 PMID:16401742, Tang 2011 PMID:21880868). Individuals reported in the literature present with this variant in the heterozygous and homozygous state, but the clinical impact of zygosity is unclear. This variant is present in 0.4% (534/126574) of European individuals, including 3 homozygotes in the Genome Aggregation Database. This variant is present in ClinVar (Variation ID:196354). Evolutionary conservation and computational predictive tools suggest that this variant may impact the protein. In vitro functional studies suggest a deleterious effect of this variant. However, these studies may not accurately represent in vivo biological function. In summary, data on this variant is insufficient for disease classification. Furthermore, at least one publication has questioned the pathogenicity of this variant (Tang 2011 PMID:21880868). This, combined with the high minor allele frequency identified in controls, conflicts with the expected pathogenicity of this variant. Therefore, the clinical significance of this variant is uncertain

Practice for Gait Abnormalities, David Pomarino, Competency Network Toe Walking C/o Practice Pomarino
Classification: Likely pathogenic for Tip-toe gait. Last evaluated: 2021-10-01. Review status: no assertion criteria provided. Collection method: clinical testing. Allele origin: germline. Affected: yes. Not counted in ClinVar's aggregate classification.
Comment: Hereditary motor sensory neuropathy (HMSN), also known as Charcot-Marie-Tooth Disease (CMT), is the most commonly inherited peripheral polyneuropathy. It constitutes a group of inherited, progressive, motor and sensory peripheral nerve disorders with properties of demyelination, axonal degeneration, or both. It is classified by clinical characteristics, modes of inheritance, electrophysiologic features, metabolic defects, and specific gene markers. Our patients all walk on tiptoe, so they show similar symptoms. When we genetically test them with our toe walking panel, we find that around 90 per cent of them have a genetic variant that explains their toe walking. These can be assigned, for example, to the area of myopathies (such as variants of the COL6A3 gene), the area of hereditary neuropathies (such as variants of the KMT2C gene) or the area of metabolic diseases (such as variants of the PYGM gene). In a smaller group of patients with almost identical symptoms, no abnormality is found in the genes of our panel, but spastic paraplegia can be detected. In another small group of our toe walkers, no abnormalities can be detected in the genes analysed in our toe walking panel, nor do they suffer from spastic paraplegia, as is also the case with healthy children. In contrast to these, however, they show a tiptoe gait. These patients suffer from infantile cerebral palsy, in which toe walking can also be observed.

PreventionGenetics, part of Exact Sciences
Classification: Likely benign for POLG-related condition. Last evaluated: 2021-04-15. Review status: no assertion criteria provided. Collection method: clinical testing. Allele origin: germline. Not counted in ClinVar's aggregate classification.
Comment: This variant is classified as likely benign based on ACMG/AMP sequence variant interpretation guidelines (Richards et al. 2015 PMID: 25741868, with internal and published modifications).

Literature cited by the submitters: PubMed 21880868 (cited by 5 submitters); PubMed 27987238 (cited by Women's Health and Genetics/Laboratory Corporation of America, LabCorp and Athena Diagnostics); PubMed 16940310 (cited by 4 submitters); PubMed 25462018 (cited by 3 submitters); PubMed 28128857 (cited by Women's Health and Genetics/Laboratory Corporation of America, LabCorp and Athena Diagnostics); PubMed 14557557 (cited by 3 submitters); PubMed 14635118 (cited by 4 submitters); PubMed 38055022 (cited by Mayo Clinic Laboratories, Mayo Clinic); PubMed 34803902 (cited by Athena Diagnostics); PubMed 34504347 (cited by Athena Diagnostics); PubMed 32949115 (cited by Athena Diagnostics); PubMed 16401742 (cited by Athena Diagnostics); PubMed 19578034 (cited by Athena Diagnostics and Ambry Genetics); PubMed 27119776 (cited by Athena Diagnostics); PubMed 38649916 (cited by Athena Diagnostics); PubMed 23921535 (cited by Athena Diagnostics); PubMed 29474836 (cited by Athena Diagnostics); PubMed 34504726 (cited by Athena Diagnostics); PubMed 34023347 (cited by Athena Diagnostics); PubMed 26357557 (cited by Athena Diagnostics and Ambry Genetics); PubMed 26095671 (cited by Athena Diagnostics and Ambry Genetics); PubMed 25118206 (cited by Athena Diagnostics and Ambry Genetics); PubMed 24508722 (cited by Athena Diagnostics and Ambry Genetics); PubMed 30637288 (cited by Athena Diagnostics); PubMed 30404819 (cited by Athena Diagnostics); PubMed 18546365 (cited by Illumina Laboratory Services, Illumina); PubMed 37091313 (cited by Practice for Gait Abnormalities, David Pomarino, Competency Network Toe Walking C/o Practice Pomarino).